The following is an entry in ClinVar:

ClinVar aggregate classification (germline): Pathogenic (1 of 4 stars; one submission).

Conditions:
Beckwith-Wiedemann syndrome (BWS). Also called: EMG SYNDROME; Exomphalos macroglossia gigantism syndrome. Identifiers: Orphanet 116, MedGen C0004903, MONDO:0007534, OMIM 130650.

Submission:

Labcorp Genetics (formerly Invitae), Labcorp
Classification: Pathogenic for Beckwith-Wiedemann syndrome. Last evaluated: 2023-07-07. Review status: criteria provided, single submitter. Criteria: Invitae Variant Classification Sherloc (09022015). Collection method: clinical testing. Allele origin: germline.
Comment: ClinVar contains an entry for this variant (Variation ID: 2136973). For these reasons, this variant has been classified as Pathogenic. This premature translational stop signal has been observed in individuals with Beckwith-Wiedemann syndrome (PMID: 19386358, 20503313). This variant is not present in population databases (gnomAD no frequency). This sequence change creates a premature translational stop signal (p.Ser282*) in the CDKN1C gene. It is expected to result in an absent or disrupted protein product. Loss-of-function variants in CDKN1C are known to be pathogenic (PMID: 20503313).

Literature cited by the submitters: PubMed 19386358; PubMed 20503313.

NM_001122630.2(CDKN1C):c.812del (p.Arg270_Ser271insTer)

Gene: CDKN1C (cyclin dependent kinase inhibitor 1C; minus strand). Cytogenetic location: 11p15.4.
Variant type: Deletion.
Coding change: c.812del on transcript NM_001122630.2 (MANE Select); coding-DNA position 812, one base deleted (C; older notation c.812delC).
Protein change: p.Arg270_Ser271insTer.
Molecular consequence: nonsense. On other transcripts: frameshift variant (1).
Genome position (GRCh38, 1-based): chr11:2,884,110, G deleted on the plus strand (C on the coding strand, the reverse complement: CDKN1C is on the minus strand). VCF-style (leftmost placement, unchanged base first): chr11-2884109-TG-T. GRCh37 (hg19) VCF-style: chr11-2905339-TG-T.
Other names: c.845del, p.Arg281_Ser282insTer (NM_000076.2, NM_001362474.2); c.812del, p.Arg270_Ser271insTer (NM_001122631.2); c.280del, p.Gln94fs (NM_001362475.2); short protein forms Q94fs.
Identifiers: ClinVar variation 2136973 (VCV002136973.4), dbSNP rs2494380150, ClinGen allele CA2574728624.